The following is an entry in ClinVar:

ClinVar aggregate classification (germline): Uncertain significance (1 of 4 stars; one submission).

Conditions:
Spinocerebellar ataxia, autosomal recessive 29. Also called: BARAKAT-VAN HAM-KAYA SYNDROME; NEURODEVELOPMENTAL DISORDER WITH HYPOTONIA AND CEREBELLAR ATAXIA. Identifiers: MedGen C5543595, MONDO:0030312, OMIM 619389.

gnomAD v4.1: 1,180 of 1,582,140 alleles (0.075%); highest among the groups gnomAD compares: Admixed American, 1.8%; 14 homozygotes.

Submission:

Department of Pediatrics, Nagoya University Graduate School of Medicine
Classification: Uncertain significance for Spinocerebellar ataxia, autosomal recessive 29. Last evaluated: 2025-05-26. Review status: criteria provided, single submitter. Criteria: ACMG Guidelines, 2015. Collection method: research. Allele origin: paternal. Affected: yes. Observed: 1 variant allele.
Comment: The VPS41 variant (NM_014396.4:c.881C>T, NP_055211.2:p.Thr294Met) results in a missense change from threonine to methionine at codon 294. This variant is absent from large population databases (e.g., gnomAD). However, no functional data are available, and this variant has not been previously established as pathogenic. Overall, the following ACMG criteria were applied in classifying this variant as a Variant of Uncertain Significance (VUS): PM2.

NM_014396.4(VPS41):c.881C>T (p.Thr294Met)

Gene: VPS41 (VPS41 subunit of HOPS complex; minus strand). Cytogenetic location: 7p14.1.
Variant type: single nucleotide variant.
Coding change: c.881C>T on transcript NM_014396.4 (MANE Select); coding-DNA position 881, C replaced by T.
Protein change: p.Thr294Met; replaces threonine 294 with methionine.
Molecular consequence: missense variant.
Genome position (GRCh38, 1-based): chr7:38,776,680, G>A on the plus strand (C>T on the coding strand, the complement: VPS41 is on the minus strand). VCF-style: chr7-38776680-G-A. GRCh37 (hg19) VCF-style: chr7-38816280-G-A.
Other names: c.806C>T, p.Thr269Met (NM_080631.4); short protein forms T269M, T294M.
Identifiers: ClinVar variation 4076112 (VCV004076112.1).